The following is an entry in ClinVar:

NM_012282.4(KCNE5):c.210C>T (p.Tyr70=)

Gene: KCNE5 (potassium voltage-gated channel subfamily E regulatory subunit 5; minus strand). Cytogenetic location: Xq23.
Variant type: single nucleotide variant.
Coding change: c.210C>T on transcript NM_012282.4 (MANE Select); coding-DNA position 210, C replaced by T.
Protein change: p.Tyr70=; no amino-acid change (tyrosine 70 retained).
Molecular consequence: synonymous variant.
Genome position (GRCh38, 1-based): chrX:109,624,811, G>A on the plus strand (C>T on the coding strand, the complement: KCNE5 is on the minus strand). VCF-style: chrX-109624811-G-A. GRCh37 (hg19) VCF-style: chrX-108868040-G-A.
Other names: c.210C>T (NM_012282.3).
Identifiers: ClinVar variation 1164998 (VCV001164998.16), dbSNP rs142564059, ClinGen allele CA10490875.

ClinVar aggregate classification (germline): Benign/Likely benign. Review status: criteria provided, multiple submitters, no conflicts (2 of 4 stars). 6 submissions from 6 submitters: Benign (2); Likely benign (3). 1 of the submissions does not count toward it. Last evaluated 2026-01-04.

Conditions:
KCNE5-related disorder. Also called: KCNE5-related condition.
Brugada syndrome. Also called: Sudden unexpected nocturnal death syndrome; Sudden Unexplained Death Syndrome; Sudden Unexplained Nocturnal Death Syndrome (SUNDS); Sudden unexplained nocturnal death syndrome. Identifiers: Orphanet 130, MedGen C1142166, MONDO:0015263.

Allele frequency attached by ClinVar (database versions not stated): ExAC 0.00035; gnomAD exomes 0.00035 and 0.00012; gnomAD 0.00086 and 0.00089; ESP Exome Variant Server 0.00095; TOPMed 0.00126; 1000 Genomes Project 0.00159; 1000 Genomes Project 30x 0.00187.

Submissions (6):

Labcorp Genetics (formerly Invitae), Labcorp
Classification: Benign for Brugada syndrome. Last evaluated: 2026-01-04. Review status: criteria provided, single submitter. Criteria: Invitae Variant Classification Sherloc (09022015). Collection method: clinical testing. Allele origin: germline.

Women's Health and Genetics/Laboratory Corporation of America, LabCorp
Classification: Benign. Last evaluated: 2025-06-16. Review status: criteria provided, single submitter. Criteria: LabCorp Variant Classification Summary - May 2015. Collection method: clinical testing. Allele origin: germline.

Ambry Genetics
Classification: Likely benign. Last evaluated: 2022-05-14. Review status: criteria provided, single submitter. Criteria: Ambry Variant Classification Scheme 2023. Collection method: clinical testing. Allele origin: germline.

GeneDx
Classification: Likely benign. Last evaluated: 2020-02-20. Review status: criteria provided, single submitter. Criteria: GeneDx Variant Classification Process June 2021. Collection method: clinical testing. Allele origin: germline. Affected: yes.

Breakthrough Genomics
Classification: Likely benign. Review status: criteria provided, single submitter. Criteria: ACMG Guidelines, 2015. Collection method: not provided. Allele origin: germline. Inheritance: Unknown mechanism. Affected: yes.

PreventionGenetics, part of Exact Sciences
Classification: Benign for KCNE5-related condition. Last evaluated: 2019-04-08. Review status: no assertion criteria provided. Collection method: clinical testing. Allele origin: germline. Not counted in ClinVar's aggregate classification.
Comment: This variant is classified as benign based on ACMG/AMP sequence variant interpretation guidelines (Richards et al. 2015 PMID: 25741868, with internal and published modifications).